The following is an entry in ClinVar:

ClinVar aggregate classification (germline): Uncertain significance. Review status: criteria provided, multiple submitters, no conflicts (2 of 4 stars). 2 submissions from 2 submitters: Uncertain significance (2). Last evaluated 2026-09-21.

Conditions:
KCNQ4-related disorder. Also called: KCNQ4-related condition.

Allele frequency attached by ClinVar (database versions not stated): gnomAD exomes 0.00001 and 0.00002; gnomAD 0.00002; TOPMed 0.00002; ExAC 0.00007.

Submissions (2):

PreventionGenetics, part of Exact Sciences
Classification: Uncertain significance for KCNQ4-related condition. Last evaluated: 2026-09-21. Review status: criteria provided, single submitter. Criteria: ACMG Guidelines, 2015. Collection method: clinical testing. Allele origin: germline.
Comment: The KCNQ4 c.1297C>T variant is predicted to result in the amino acid substitution p.Arg433Trp. To our knowledge, this variant has not been reported in a patient with KCNQ4 related disorder, but has been reported in a functional study to reduce potassium channel activity (Jung et al. 2019. PubMed ID: 31434872). This variant is reported in 0.0058% of alleles in individuals of East Asian descent in gnomAD, including more than 40 heterozygotes in the larger gnomAD v4.1.1 database. Although we suspect that this variant may be benign, at this time, the clinical significance of this variant is uncertain due to the absence of conclusive functional and genetic evidence.

GeneDx
Classification: Uncertain significance. Last evaluated: 2025-03-28. Review status: criteria provided, single submitter. Criteria: GeneDx Variant Classification Process June 2021. Collection method: clinical testing. Allele origin: germline. Affected: yes.
Comment: In silico analysis supports that this missense variant has a deleterious effect on protein structure/function; Has not been previously published as pathogenic or benign in association with KCNQ4-related disorders to our knowledge; This variant is associated with the following publications: (PMID: 36140355, 37009795, 37108562, 31434872)

NM_004700.4(KCNQ4):c.1297C>T (p.Arg433Trp)

Gene: KCNQ4 (potassium voltage-gated channel subfamily Q member 4; plus strand). Cytogenetic location: 1p34.2.
Variant type: single nucleotide variant.
Coding change: c.1297C>T on transcript NM_004700.4 (MANE Select); coding-DNA position 1297, C replaced by T.
Protein change: p.Arg433Trp; replaces arginine 433 with tryptophan.
Molecular consequence: missense variant.
Genome position (GRCh38, 1-based): chr1:40,831,088, C>T. VCF-style: chr1-40831088-C-T. GRCh37 (hg19) VCF-style: chr1-41296760-C-T.
Other names: c.1135C>T, p.Arg379Trp (NM_172163.3); short protein forms R433W, R379W.
Identifiers: ClinVar variation 450535 (VCV000450535.5), dbSNP rs760023398, ClinGen allele CA794856.